The following is an entry in ClinVar:

NM_001358451.3(ABHD18):c.1221A>G (p.Lys407=)

Gene: ABHD18 (abhydrolase domain containing 18; plus strand). Cytogenetic location: 4q28.2.
Variant type: single nucleotide variant.
Coding change: c.1221A>G on transcript NM_001358451.3 (MANE Select); coding-DNA position 1221, A replaced by G.
Protein change: p.Lys407=; no amino-acid change (lysine 407 retained).
Molecular consequence: synonymous variant.
Genome position (GRCh38, 1-based): chr4:128,030,550, A>G. VCF-style: chr4-128030550-A-G. GRCh37 (hg19) VCF-style: chr4-128951705-A-G.
Other names: c.1119A>G, p.Lys373= (NM_001039717.2, NM_001366039.3); c.975A>G, p.Lys325= (NM_001319305.3); c.840A>G, p.Lys280= (NM_001319306.3, NM_001366044.1, NM_001366045.1 and 1 more transcripts); c.714A>G, p.Lys238= (NM_001319307.3, NM_001366040.3, NM_001366042.3 and 1 more transcripts); c.1266A>G, p.Lys422= (NM_001358454.3); c.612A>G, p.Lys204= (NM_001366037.3, NM_025097.2); c.1077A>G, p.Lys359= (NM_001366038.3); c.738A>G, p.Lys246= (NM_001366041.3); and 2 more.
Identifiers: ClinVar variation 2655095 (VCV002655095.24), dbSNP rs2546537001, ClinGen allele CA441209064.

ClinVar aggregate classification (germline): Likely benign (1 of 4 stars; one submission).

Allele frequency attached by ClinVar (database versions not stated): gnomAD exomes below 0.00001.
gnomAD v4.1: 1 of 1,601,082 alleles (0.000062%); highest among the groups gnomAD compares: Admixed American, 0.0018%; no homozygotes.

Submission:

CeGaT Center for Human Genetics Tuebingen
Classification: Likely benign. Last evaluated: 2022-03-01. Review status: criteria provided, single submitter. Criteria: CeGaT Center For Human Genetics Tuebingen Variant Classification Criteria Version 2. Collection method: clinical testing. Allele origin: germline. Affected: yes. Observed: 1 variant allele.
Comment: ABHD18: PM2:Supporting, BP4, BP7